The following is an entry in ClinVar:

ClinVar aggregate classification (germline): Uncertain significance (1 of 4 stars; one submission).

Conditions:
Focal segmental glomerulosclerosis 5 (FSGS5). Identifiers: Orphanet 656, MedGen C2750475, MONDO:0013191, OMIM 613237.
Charcot-Marie-Tooth disease dominant intermediate E. Also called: CHARCOT-MARIE-TOOTH NEUROPATHY WITH FOCAL SEGMENTAL GLOMERULONEPHRITIS. Identifiers: Orphanet 93114, MedGen C4302667, MONDO:0013758, OMIM 614455.

Submission:

Labcorp Genetics (formerly Invitae), Labcorp
Classification: Uncertain significance for Charcot-Marie-Tooth disease dominant intermediate E; Focal segmental glomerulosclerosis 5. Last evaluated: 2025-04-10. Review status: criteria provided, single submitter. Criteria: Invitae Variant Classification Sherloc (09022015). Collection method: clinical testing. Allele origin: germline.
Comment: This sequence change replaces leucine, which is neutral and non-polar, with valine, which is neutral and non-polar, at codon 921 of the INF2 protein (p.Leu921Val). This variant is not present in population databases (gnomAD no frequency). This variant has not been reported in the literature in individuals affected with INF2-related conditions. Invitae Evidence Modeling of protein sequence and biophysical properties (such as structural, functional, and spatial information, amino acid conservation, physicochemical variation, residue mobility, and thermodynamic stability) indicates that this missense variant is not expected to disrupt INF2 protein function with a negative predictive value of 95%. In summary, the available evidence is currently insufficient to determine the role of this variant in disease. Therefore, it has been classified as a Variant of Uncertain Significance.

NM_022489.4(INF2):c.2761C>G (p.Leu921Val)

Gene: INF2 (inverted formin 2; plus strand). Cytogenetic location: 14q32.33.
Variant type: single nucleotide variant.
Coding change: c.2761C>G on transcript NM_022489.4 (MANE Select); coding-DNA position 2761, C replaced by G.
Protein change: p.Leu921Val; replaces leucine 921 with valine.
Molecular consequence: missense variant. On other transcripts: non-coding transcript variant (1).
Genome position (GRCh38, 1-based): chr14:104,712,978, C>G. VCF-style: chr14-104712978-C-G. GRCh37 (hg19) VCF-style: chr14-105179315-C-G.
Other names: c.2761C>G, p.Leu921Val (NM_001031714.4, NM_001426862.1, NM_001426863.1 and 2 more transcripts); short protein forms L921V.
Identifiers: ClinVar variation 4789558 (VCV004789558.1).